The following is an entry in ClinVar:

NM_014028.4(OSTM1):c.*1427A>G

Gene: OSTM1 (osteoclastogenesis associated transmembrane protein 1; minus strand). Cytogenetic location: 6q21.
Variant type: single nucleotide variant.
Coding change: c.*1427A>G on transcript NM_014028.4 (MANE Select); 1427 bases downstream of the stop codon, A replaced by G.
Molecular consequence: 3 prime UTR variant.
Genome position (GRCh38, 1-based): chr6:108,043,358, T>C on the plus strand (A>G on the coding strand, the complement: OSTM1 is on the minus strand). VCF-style: chr6-108043358-T-C. GRCh37 (hg19) VCF-style: chr6-108364562-T-C.
Identifiers: ClinVar variation 354960 (VCV000354960.5), dbSNP rs116796449, ClinGen allele CA10625591.
Genomic context (GRCh38, chr6:108,043,358, plus strand): 5'-AGCACATTTTCAGTGGATCACAGCAGATCAGAGAAAGTGTAACAGCTTTTGAGTATGTTA[T>C]ACATCCAAGAGCCTTATATTTCACTCCACATAAACAGTAAACATAAAAGAAAAAAGAAAC-3'

ClinVar aggregate classification (germline): Benign (1 of 4 stars; one submission).

Conditions:
Autosomal recessive osteopetrosis 5. Identifiers: Orphanet 85179, MedGen C1968603, MONDO:0009817, OMIM 259720.

Allele frequency attached by ClinVar (database versions not stated): 1000 Genomes Project 0.00978; 1000 Genomes Project 30x 0.01109; gnomAD 0.01172 and 0.01274; TOPMed 0.01296.

Submission:

Illumina Laboratory Services, Illumina
Classification: Benign for Autosomal recessive osteopetrosis 5. Last evaluated: 2018-01-13. Review status: criteria provided, single submitter. Criteria: ICSL Variant Classification Criteria 13 December 2019. Collection method: clinical testing. Allele origin: germline.
Comment: This variant was observed in the ICSL laboratory as part of a predisposition screen in an ostensibly healthy population. It had not been previously curated by ICSL or reported in the Human Gene Mutation Database (HGMD: prior to June 1st, 2018), and was therefore a candidate for classification through an automated scoring system. Utilizing variant allele frequency, disease prevalence and penetrance estimates, and inheritance mode, an automated score was calculated to assess if this variant is too frequent to cause the disease. Based on the score and internal cut-off values, a variant classified as benign is not then subjected to further curation. The score for this variant resulted in a classification of benign for this disease.